The following is an entry in ClinVar:

ClinVar aggregate classification (germline): Uncertain significance (1 of 4 stars; one submission).

Submission:

Labcorp Genetics (formerly Invitae), Labcorp
Classification: Uncertain significance. Last evaluated: 2024-07-01. Review status: criteria provided, single submitter. Criteria: Invitae Variant Classification Sherloc (09022015). Collection method: clinical testing. Allele origin: germline.
Comment: This sequence change replaces methionine, which is neutral and non-polar, with isoleucine, which is neutral and non-polar, at codon 953 of the MSH3 protein (p.Met953Ile). This variant is not present in population databases (gnomAD no frequency). This variant has not been reported in the literature in individuals affected with MSH3-related conditions. An algorithm developed to predict the effect of missense changes on protein structure and function (PolyPhen-2) suggests that this variant is likely to be disruptive. In summary, the available evidence is currently insufficient to determine the role of this variant in disease. Therefore, it has been classified as a Variant of Uncertain Significance.

NM_002439.5(MSH3):c.2859G>T (p.Met953Ile)

Gene: MSH3 (mutS homolog 3; plus strand). Cytogenetic location: 5q14.1.
Variant type: single nucleotide variant.
Coding change: c.2859G>T on transcript NM_002439.5 (MANE Select); coding-DNA position 2859, G replaced by T.
Protein change: p.Met953Ile; replaces methionine 953 with isoleucine.
Molecular consequence: missense variant.
Genome position (GRCh38, 1-based): chr5:80,854,175, G>T. VCF-style: chr5-80854175-G-T. GRCh37 (hg19) VCF-style: chr5-80149994-G-T.
Other names: short protein forms M953I.
Identifiers: ClinVar variation 3658410 (VCV003658410.2).